The following is an entry in ClinVar:

ClinVar aggregate classification (germline): Uncertain significance. Review status: criteria provided, multiple submitters, no conflicts (2 of 4 stars). 7 submissions from 7 submitters: Uncertain significance (7). Last evaluated 2025-11-25.

Conditions:
TTN-related disorder. Also called: TTN-related condition; TTN-related disease; TTN-related disorders.
Cardiovascular phenotype. Identifiers: MedGen CN230736.
Dilated cardiomyopathy 1G (CMD1G). Identifiers: Orphanet 154, MedGen C1858763, MONDO:0011400, OMIM 604145.
Autosomal recessive limb-girdle muscular dystrophy type 2J (LGMDR10). Also called: Limb-girdle muscular dystrophy, type 2J; MUSCULAR DYSTROPHY, LIMB-GIRDLE, AUTOSOMAL RECESSIVE 10. Identifiers: Orphanet 140922, MedGen C1837342, MONDO:0012127, OMIM 608807.
Early-onset myopathy with fatal cardiomyopathy (CMYO5). Also called: Salih Myopathy; CONGENITAL MYOPATHY 5 WITH CARDIOMYOPATHY. Identifiers: Orphanet 289377, MedGen C2673677, MONDO:0012714, OMIM 611705. Disease mechanism: loss of function.
Tibial muscular dystrophy (TMD). Also called: Tibial muscular dystrophy, tardive; Udd Distal Myopathy – Tibial Muscular Dystrophy; UDD MYOPATHY. Identifiers: Orphanet 609, MedGen C1838244, MONDO:0010870, OMIM 600334.
Myopathy, myofibrillar, 9, with early respiratory failure (MFM9). Also called: Myopathy, distal, with early respiratory failure, autosomal dominant; MYOPATHY, PROXIMAL, WITH EARLY RESPIRATORY MUSCLE INVOLVEMENT; Hereditary myopathy with early respiratory failure; EDSTROM MYOPATHY. Identifiers: Orphanet 178464, Orphanet 34521, MedGen C1863599, MONDO:0011362, OMIM 603689.
Hypertrophic cardiomyopathy 9. Also called: Familial hypertrophic cardiomyopathy 9. Identifiers: MedGen C1861065, MONDO:0013412, OMIM 613765.

Allele frequency attached by ClinVar (database versions not stated): ExAC 0.00003; gnomAD exomes 0.00004; gnomAD 0.00005; TOPMed 0.00006.
gnomAD v4.1: 74 of 1,613,612 alleles (0.0046%); highest among the groups gnomAD compares: South Asian, 0.012%; no homozygotes.

Submissions (7):

PreventionGenetics, part of Exact Sciences
Classification: Uncertain significance for TTN-related condition. Last evaluated: 2025-11-25. Review status: criteria provided, single submitter. Criteria: ACMG Guidelines, 2015. Collection method: clinical testing. Allele origin: germline.
Comment: The TTN c.87010G>A variant is predicted to result in the amino acid substitution p.Gly29004Ser. To our knowledge, this variant has not been reported in the literature. This variant is reported in 0.015% of alleles in individuals of East Asian descent in gnomAD. At this time, the clinical significance of this variant is uncertain due to the absence of conclusive functional and genetic evidence.

Revvity Omics, Revvity
Classification: Uncertain significance. Last evaluated: 2023-08-30. Review status: criteria provided, single submitter. Criteria: ACMG Guidelines, 2015. Collection method: clinical testing. Allele origin: germline.

Fulgent Genetics
Classification: Uncertain significance for Tibial muscular dystrophy; Myopathy, myofibrillar, 9, with early respiratory failure; Dilated cardiomyopathy 1G; Autosomal recessive limb-girdle muscular dystrophy type 2J; Early-onset myopathy with fatal cardiomyopathy; Hypertrophic cardiomyopathy 9. Last evaluated: 2021-10-20. Review status: criteria provided, single submitter. Criteria: ACMG Guidelines, 2015. Collection method: clinical testing. Allele origin: unknown.

Labcorp Genetics (formerly Invitae), Labcorp
Classification: Uncertain significance for Dilated cardiomyopathy 1G; Autosomal recessive limb-girdle muscular dystrophy type 2J. Last evaluated: 2019-10-15. Review status: criteria provided, single submitter. Criteria: Invitae Variant Classification Sherloc (09022015). Collection method: clinical testing. Allele origin: germline.
Comment: This sequence change replaces glycine with serine at codon 29004 of the TTN protein (p.Gly29004Ser). There is a small physicochemical difference between glycine and serine. This variant is present in population databases (rs761251825, ExAC 0.01%). This variant has not been reported in the literature in individuals with a TTN-related disease. ClinVar contains an entry for this variant (Variation ID: 202937). This variant identified in the TTN gene is located in the A band of the resulting protein (PMID: 25589632). It is unclear how this variant impacts the function of this protein. Algorithms developed to predict the effect of missense changes on protein structure and function are unavailable for the TTN gene Algorithms developed to predict the effect of sequence changes on RNA splicing suggest that this variant may create or strengthen a splice site, but this prediction has not been confirmed by published transcriptional studies. In summary, this variant has uncertain impact on TTN function. The available evidence is currently insufficient to determine its role in disease. Therefore, it has been classified as a Variant of Uncertain Significance.

Mayo Clinic Laboratories, Mayo Clinic
Classification: Uncertain significance. Last evaluated: 2019-10-09. Review status: criteria provided, single submitter. Criteria: ACMG Guidelines, 2015. Collection method: clinical testing. Allele origin: germline. Observed: 1 variant allele.

Ambry Genetics
Classification: Uncertain significance for Cardiovascular phenotype. Last evaluated: 2018-09-24. Review status: criteria provided, single submitter. Criteria: Ambry Variant Classification Scheme 2023. Collection method: clinical testing. Allele origin: germline.
Comment: The p.G19939S variant (also known as c.59815G>A), located in coding exon 154 of the TTN gene, results from a G to A substitution at nucleotide position 59815. The glycine at codon 19939 is replaced by serine, an amino acid with similar properties. This amino acid position is well conserved in available vertebrate species; however, serine is the reference amino acid in other vertebrate species. In addition, this alteration is predicted to be tolerated by in silico analysis. Since supporting evidence is limited at this time, the clinical significance of this alteration remains unclear.

GeneDx
Classification: Uncertain significance. Last evaluated: 2015-08-24. Review status: criteria provided, single submitter. Criteria: GeneDx Variant Classification (06012015). Collection method: clinical testing. Allele origin: germline. Affected: yes.
Comment: Missense variants in the TTN gene are considered 'unclassified' if they are not previously reported in the literature and do not have >1% frequency in the population to be considered a polymorphism. Research indicates that truncating mutations in the TTN gene are expected to account for approximately 25% of familial and 18% of sporadic idiopathic DCM; however, truncating variants in the TTN gene have been reported in approximately 3% of reported control alleles. There has been little investigation into non-truncating variants. (Herman D et al. Truncations of titin causing dilated cardiomyopathy. N Eng J Med 366:619-628, 2012) The variant is found in DCM panel(s).

Literature cited by the submitters: PubMed 25589632 (cited by Labcorp Genetics (formerly Invitae), Labcorp).

NM_001267550.2(TTN):c.87010G>A (p.Gly29004Ser)

Genes: TTN (titin; minus strand), TTN-AS1 (TTN antisense RNA 1; plus strand). Cytogenetic location: 2q31.2.
Variant type: single nucleotide variant.
Coding change: c.87010G>A on transcript NM_001267550.2 (MANE Select); coding-DNA position 87010, G replaced by A.
Protein change: p.Gly29004Ser; replaces glycine 29004 with serine.
Molecular consequence: missense variant.
Genome position (GRCh38, 1-based): chr2:178,558,449, C>T on the plus strand (G>A on the coding strand, the complement: TTN is on the minus strand). VCF-style: chr2-178558449-C-T. GRCh37 (hg19) VCF-style: chr2-179423176-C-T.
Other names: p.G27363S:GGT>AGT; c.82087G>A, p.Gly27363Ser (NM_001256850.1); c.59815G>A, p.Gly19939Ser (NM_003319.4); c.79306G>A, p.Gly26436Ser (NM_133378.4); c.60190G>A, p.Gly20064Ser (NM_133432.3); c.60391G>A, p.Gly20131Ser (NM_133437.4); short protein forms G27363S, G29004S, G19939S, G20064S, G20131S, G26436S.
Identifiers: ClinVar variation 202937 (VCV000202937.16), dbSNP rs761251825, ClinGen allele CA310741.